The following is an entry in ClinVar:

ClinVar aggregate classification (germline): Uncertain significance (1 of 4 stars; one submission).

Conditions:
MPDU1-congenital disorder of glycosylation. Also called: CONGENITAL DISORDER OF GLYCOSYLATION, TYPE If; MPDU1-CDG; CDG If. Identifiers: Orphanet 79323, MedGen C1836669, MONDO:0012211, OMIM 609180.

Allele frequency attached by ClinVar (database versions not stated): ExAC 0.00002; TOPMed below 0.00001; gnomAD 0.00001; gnomAD exomes 0.00001.

Submission:

Labcorp Genetics (formerly Invitae), Labcorp
Classification: Uncertain significance for MPDU1-congenital disorder of glycosylation. Last evaluated: 2020-12-08. Review status: criteria provided, single submitter. Criteria: Invitae Variant Classification Sherloc (09022015). Collection method: clinical testing. Allele origin: germline.
Comment: This variant has not been reported in the literature in individuals with MPDU1-related conditions. In summary, the available evidence is currently insufficient to determine the role of this variant in disease. Therefore, it has been classified as a Variant of Uncertain Significance. Algorithms developed to predict the effect of missense changes on protein structure and function are either unavailable or do not agree on the potential impact of this missense change (SIFT: "Deleterious"; PolyPhen-2: "Possibly Damaging"; Align-GVGD: "Class C0"). This variant is present in population databases (rs777819415, ExAC 0.02%). This sequence change replaces valine with methionine at codon 62 of the MPDU1 protein (p.Val62Met). The valine residue is moderately conserved and there is a small physicochemical difference between valine and methionine.

NM_004870.4(MPDU1):c.184G>A (p.Val62Met)

Gene: MPDU1 (mannose-P-dolichol utilization defect 1; plus strand). Cytogenetic location: 17p13.1.
Variant type: single nucleotide variant.
Coding change: c.184G>A on transcript NM_004870.4 (MANE Select); coding-DNA position 184, G replaced by A.
Protein change: p.Val62Met; replaces valine 62 with methionine.
Molecular consequence: missense variant. On other transcripts: non-coding transcript variant (1).
Genome position (GRCh38, 1-based): chr17:7,585,960, G>A. VCF-style: chr17-7585960-G-A. GRCh37 (hg19) VCF-style: chr17-7489278-G-A.
Other names: c.184G>A, p.Val62Met (NM_001330073.1); short protein forms V62M.
Identifiers: ClinVar variation 1017785 (VCV001017785.8), dbSNP rs777819415, ClinGen allele CA8352874.